The following is an entry in ClinVar:

ClinVar aggregate classification (germline): Uncertain significance (1 of 4 stars; one submission).

Allele frequency attached by ClinVar (database versions not stated): gnomAD 0.00001; gnomAD exomes 0.00001; TOPMed 0.00001; ExAC 0.00002.

Submission:

Labcorp Genetics (formerly Invitae), Labcorp
Classification: Uncertain significance. Last evaluated: 2025-11-28. Review status: criteria provided, single submitter. Criteria: Invitae Variant Classification Sherloc (09022015). Collection method: clinical testing. Allele origin: germline.
Comment: This sequence change replaces glycine, which is neutral and non-polar, with arginine, which is basic and polar, at codon 774 of the CACNA1F protein (p.Gly774Arg). This variant is present in population databases (rs782737676, gnomAD 0.006%). This variant has not been reported in the literature in individuals affected with CACNA1F-related conditions. ClinVar contains an entry for this variant (Variation ID: 1501433). An algorithm developed to predict the effect of missense changes on protein structure and function outputs the following: PolyPhen-2: "Benign". The arginine amino acid residue is found in multiple mammalian species, which suggests that this missense change does not adversely affect protein function. In summary, the available evidence is currently insufficient to determine the role of this variant in disease. Therefore, it has been classified as a Variant of Uncertain Significance.

NM_001256789.3(CACNA1F):c.2287G>A (p.Gly763Arg)

Gene: CACNA1F (calcium voltage-gated channel subunit alpha1 F; minus strand). Cytogenetic location: Xp11.23.
Variant type: single nucleotide variant.
Coding change: c.2287G>A on transcript NM_001256789.3 (MANE Select); coding-DNA position 2287, G replaced by A.
Protein change: p.Gly763Arg; replaces glycine 763 with arginine.
Molecular consequence: missense variant.
Genome position (GRCh38, 1-based): chrX:49,222,523, C>T on the plus strand (G>A on the coding strand, the complement: CACNA1F is on the minus strand). VCF-style: chrX-49222523-C-T. GRCh37 (hg19) VCF-style: chrX-49078982-C-T.
Other names: c.2125G>A, p.Gly709Arg (NM_001256790.3); c.2320G>A, p.Gly774Arg (NM_005183.4); short protein forms G709R, G763R, G774R.
Identifiers: ClinVar variation 1501433 (VCV001501433.8), dbSNP rs782737676, ClinGen allele CA10410718.